The following is an entry in ClinVar:

NM_001287491.2(TET3):c.5006G>A (p.Arg1669Gln)

Gene: TET3 (tet methylcytosine dioxygenase 3; plus strand). Cytogenetic location: 2p13.1.
Variant type: single nucleotide variant.
Coding change: c.5006G>A on transcript NM_001287491.2 (MANE Select); coding-DNA position 5006, G replaced by A.
Protein change: p.Arg1669Gln; replaces arginine 1669 with glutamine.
Molecular consequence: missense variant.
Genome position (GRCh38, 1-based): chr2:74,101,794, G>A. VCF-style: chr2-74101794-G-A. GRCh37 (hg19) VCF-style: chr2-74328921-G-A.
Other names: c.4727G>A, p.Arg1576Gln (NM_001366022.1); short protein forms R1576Q, R1669Q.
Identifiers: ClinVar variation 3381411 (VCV003381411.2).

ClinVar aggregate classification (germline): Uncertain significance (1 of 4 stars; one submission).

gnomAD v4.1: 3 of 1,612,970 alleles (0.00019%); highest among the groups gnomAD compares: Non-Finnish European, 0.00017%; no homozygotes.

Submission:

GeneDx
Classification: Uncertain significance. Last evaluated: 2026-09-02. Review status: criteria provided, single submitter. Criteria: GeneDx Variant Classification Process June 2021. Collection method: clinical testing. Allele origin: germline.
Comment: Not observed at significant frequency in large population cohorts (gnomAD); In silico analysis supports that this missense variant has a deleterious effect on protein structure/function; Has not been previously published as pathogenic or benign to our knowledge